The following is an entry in ClinVar:

ClinVar aggregate classification (germline): Uncertain significance (1 of 4 stars; one submission).

Conditions:
Inborn genetic diseases. Identifiers: MedGen C0950123, MeSH D030342.

Submission:

Ambry Genetics
Classification: Uncertain significance for Inborn genetic diseases. Last evaluated: 2025-09-10. Review status: criteria provided, single submitter. Criteria: Ambry Variant Classification Scheme 2023. Collection method: clinical testing. Allele origin: germline.
Comment: The p.L913P variant (also known as c.2738T>C), located in coding exon 11 of the MECOM gene, results from a T to C substitution at nucleotide position 2738. The leucine at codon 913 is replaced by proline, an amino acid with similar properties. This amino acid position is conserved. In addition, the in silico prediction for this alteration is inconclusive. Based on the available evidence, the clinical significance of this variant remains unclear.

NM_004991.4(MECOM):c.2738T>C (p.Leu913Pro)

Gene: MECOM (MDS1 and EVI1 complex locus; minus strand). Cytogenetic location: 3q26.2.
Variant type: single nucleotide variant.
Coding change: c.2738T>C on transcript NM_004991.4 (MANE Select); coding-DNA position 2738, T replaced by C.
Protein change: p.Leu913Pro; replaces leucine 913 with proline.
Molecular consequence: missense variant.
Genome position (GRCh38, 1-based): chr3:169,102,093, A>G on the plus strand (T>C on the coding strand, the complement: MECOM is on the minus strand). VCF-style: chr3-169102093-A-G. GRCh37 (hg19) VCF-style: chr3-168819881-A-G.
Other names: c.2174T>C, p.Leu725Pro (NM_001366469.2, NM_005241.4, NM_001105078.4 and 1 more transcripts); c.2150T>C, p.Leu717Pro (NM_001366470.2, NM_001163999.2); c.2147T>C, p.Leu716Pro (NM_001366471.2, NM_001366472.2, NM_001164000.2); c.1739T>C, p.Leu580Pro (NM_001366473.2); c.1175T>C, p.Leu392Pro (NM_001366474.2); c.2369T>C, p.Leu790Pro (NM_001105077.4); c.2711T>C, p.Leu904Pro (NM_001366466.2); c.2177T>C, p.Leu726Pro (NM_001366467.2, NM_001366468.2); short protein forms L790P, L913P, L580P, L716P, L904P, L392P, L717P, L725P.
Identifiers: ClinVar variation 4105919 (VCV004105919.1).